The following is an entry in ClinVar:

ClinVar aggregate classification (germline): Pathogenic (1 of 4 stars; one submission).

Submission:

Labcorp Genetics (formerly Invitae), Labcorp
Classification: Pathogenic. Last evaluated: 2023-10-28. Review status: criteria provided, single submitter. Criteria: Invitae Variant Classification Sherloc (09022015). Collection method: clinical testing. Allele origin: germline.
Comment: This sequence change creates a premature translational stop signal (p.Tyr83*) in the SYNE4 gene. It is expected to result in an absent or disrupted protein product. Loss-of-function variants in SYNE4 are known to be pathogenic (PMID: 23348741, 28958982). This variant is not present in population databases (gnomAD no frequency). This variant has not been reported in the literature in individuals affected with SYNE4-related conditions. Algorithms developed to predict the effect of sequence changes on RNA splicing suggest that this variant may disrupt the consensus splice site. For these reasons, this variant has been classified as Pathogenic.

Literature cited by the submitters: PubMed 23348741; PubMed 28958982.

NM_001039876.3(SYNE4):c.249C>G (p.Tyr83Ter)

Gene: SYNE4 (spectrin repeat containing nuclear envelope family member 4; minus strand). Cytogenetic location: 19q13.12.
Variant type: single nucleotide variant.
Coding change: c.249C>G on transcript NM_001039876.3 (MANE Select); coding-DNA position 249, C replaced by G.
Protein change: p.Tyr83Ter; replaces tyrosine 83 with a stop codon.
Molecular consequence: nonsense.
Genome position (GRCh38, 1-based): chr19:36,008,247, G>C on the plus strand (C>G on the coding strand, the complement: SYNE4 is on the minus strand). VCF-style: chr19-36008247-G-C. GRCh37 (hg19) VCF-style: chr19-36499149-G-C.
Other names: c.249C>G, p.Tyr83Ter (NM_001297735.3); short protein forms Y83*.
Identifiers: ClinVar variation 2762575 (VCV002762575.3), dbSNP rs373270664, ClinGen allele CA405435751.